The following is an entry in ClinVar:

NM_001018115.3(FANCD2):c.3802T>G (p.Trp1268Gly)

Genes: FANCD2 (FA complementation group D2; plus strand), FANCD2OS (FANCD2 opposite strand; minus strand). Cytogenetic location: 3p25.3.
Variant type: single nucleotide variant.
Coding change: c.3802T>G on transcript NM_001018115.3 (MANE Select); coding-DNA position 3802, T replaced by G.
Protein change: p.Trp1268Gly; replaces tryptophan 1268 with glycine.
Molecular consequence: missense variant. On other transcripts: intron variant (1).
Genome position (GRCh38, 1-based): chr3:10,092,205, T>G. VCF-style: chr3-10092205-T-G. GRCh37 (hg19) VCF-style: chr3-10133889-T-G.
Other names: c.3802T>G, p.Trp1268Gly (NM_001319984.2, NM_001374254.1, NM_033084.6); c.3691T>G, p.Trp1231Gly (NM_001374253.1); c.*44-10674A>C (NM_173472.2); short protein forms W1231G, W1268G.
Identifiers: ClinVar variation 929669 (VCV000929669.2), dbSNP rs1196009515, ClinGen allele CA351755679.

ClinVar aggregate classification (germline): Uncertain significance (0 of 4 stars; one submission).

Conditions:
Fanconi anemia complementation group D2. Also called: FANCD2-Related Fanconi Anemia; FANCONI PANCYTOPENIA, TYPE 4; FANCONI ANEMIA, COMPLEMENTATION GROUP D. Identifiers: Orphanet 84, MedGen C3160738, MONDO:0009214, OMIM 227646.

gnomAD v4.1: 1 of 1,614,102 alleles (0.000062%); highest among the groups gnomAD compares: Non-Finnish European, 0.000085%; no homozygotes.

Submission:

Leiden Open Variation Database
Classification: Uncertain significance for Fanconi anemia complementation group D2. Last evaluated: 2020-02-28. Review status: no assertion criteria provided. Collection method: curation. Allele origin: germline. Affected: yes.
Comment: Curator: Arleen D. Auerbach. Submitter to LOVD: Arleen D. Auerbach.

Literature cited by the submitters: PubMed 23613520.